The following is an entry in ClinVar:

NM_000179.3(MSH6):c.3545_3546del (p.Arg1182fs)

Gene: MSH6 (mutS homolog 6; plus strand). Cytogenetic location: 2p16.3.
Variant type: Deletion.
Coding change: c.3545_3546del on transcript NM_000179.3 (MANE Select); coding-DNA positions 3545 to 3546, 2 bases deleted (GA; older notation c.3545_3546delGA).
Protein change: p.Arg1182fs; shifts the reading frame from arginine 1182.
Molecular consequence: frameshift variant.
Genome position (GRCh38, 1-based): chr2:47,805,016-47,805,017, GA deleted; deleting any 2 consecutive bases within chr2:47,805,015-47,805,017 gives the same sequence; the c. name uses the placement nearest the transcript's 3' end. VCF-style (leftmost placement, unchanged base first): chr2-47805014-CAG-C. GRCh37 (hg19) VCF-style: chr2-48032153-CAG-C.
Other names: c.3155_3156del, p.Arg1052fs (NM_001281492.2); c.2639_2640del, p.Arg880fs (NM_001281493.2, NM_001281494.2); c.3641_3642delGA, p.Arg1214Asnfs (NM_001406795.1, NM_001406802.1); c.3545_3546delGA, p.Arg1182Asnfs (NM_001406796.1, NM_001406800.1, NM_001406808.1 and 1 more transcripts); c.3248_3249delGA, p.Arg1083Asnfs (NM_001406797.1, NM_001406801.1, NM_001406805.1 and 10 more transcripts); c.3371_3372delGA, p.Arg1124Asnfs (NM_001406798.1); c.3020_3021delGA, p.Arg1007Asnfs (NM_001406799.1, NM_001406806.1, NM_001406807.1); c.2681_2682delGA, p.Arg894Asnfs (NM_001406803.1); and 8 more; short protein forms R1182fs, R1052fs, R880fs.
Identifiers: ClinVar variation 1732516 (VCV001732516.8), dbSNP rs2530806721, ClinGen allele CA1139771079.

ClinVar aggregate classification (germline): Pathogenic. Review status: criteria provided, multiple submitters, no conflicts (2 of 4 stars). 3 submissions from 3 submitters: Pathogenic (3). Last evaluated 2023-08-24.

Conditions:
Hereditary nonpolyposis colorectal neoplasms. Identifiers: MedGen C0009405, MeSH D003123.
Hereditary cancer-predisposing syndrome. Also called: Neoplastic Syndromes, Hereditary; Tumor predisposition; Hereditary Cancer Syndrome; Hereditary neoplastic syndrome. Identifiers: Orphanet 140162, MedGen C0027672, MeSH D009386, MONDO:0015356.
Lynch syndrome 5 (LYNCH5). Also called: Hereditary non-polyposis colorectal cancer, type 5; Colorectal cancer, hereditary nonpolyposis, type 5. Identifiers: Orphanet 144, MedGen C1833477, MONDO:0013710, OMIM 614350. Disease mechanism: loss of function.

Submissions (3):

Myriad Genetics, Inc.
Classification: Pathogenic for Lynch syndrome 5. Last evaluated: 2023-08-24. Review status: criteria provided, single submitter. Criteria: Myriad Autosomal Dominant, Autosomal Recessive and X-Linked Classification Criteria (2023). Collection method: clinical testing. Allele origin: unknown.
Comment: This variant is considered pathogenic. This variant creates a frameshift predicted to result in premature protein truncation.

Ambry Genetics
Classification: Pathogenic for Hereditary cancer-predisposing syndrome. Last evaluated: 2022-09-25. Review status: criteria provided, single submitter. Criteria: Ambry Variant Classification Scheme 2023. Collection method: clinical testing. Allele origin: germline.
Comment: The c.3545_3546delGA pathogenic mutation, located in coding exon 6 of the MSH6 gene, results from a deletion of two nucleotides at nucleotide positions 3545 to 3546, causing a translational frameshift with a predicted alternate stop codon (p.R1182Nfs*5). This variant is considered to be rare based on population cohorts in the Genome Aggregation Database (gnomAD). This alteration is expected to result in loss of function by premature protein truncation or nonsense-mediated mRNA decay. As such, this alteration is interpreted as a disease-causing mutation.

Labcorp Genetics (formerly Invitae), Labcorp
Classification: Pathogenic for Hereditary nonpolyposis colorectal neoplasms. Last evaluated: 2022-04-19. Review status: criteria provided, single submitter. Criteria: Invitae Variant Classification Sherloc (09022015). Collection method: clinical testing. Allele origin: germline.
Comment: This sequence change creates a premature translational stop signal (p.Arg1182Asnfs*5) in the MSH6 gene. It is expected to result in an absent or disrupted protein product. Loss-of-function variants in MSH6 are known to be pathogenic (PMID: 18269114, 24362816). This variant is not present in population databases (gnomAD no frequency). This variant has not been reported in the literature in individuals affected with MSH6-related conditions. For these reasons, this variant has been classified as Pathogenic.

Literature cited by the submitters: PubMed 18269114 (cited by Labcorp Genetics (formerly Invitae), Labcorp); PubMed 24362816 (cited by Labcorp Genetics (formerly Invitae), Labcorp).